The following is an entry in ClinVar:

NM_032119.4(ADGRV1):c.13434-6A>G

Gene: ADGRV1 (adhesion G protein-coupled receptor V1; plus strand). Cytogenetic location: 5q14.3.
Variant type: single nucleotide variant.
Coding change: c.13434-6A>G on transcript NM_032119.4 (MANE Select); 6 bases into the intron before coding-DNA position 13434, A replaced by G.
Molecular consequence: intron variant.
Genome position (GRCh38, 1-based): chr5:90,783,832, A>G. VCF-style: chr5-90783832-A-G. GRCh37 (hg19) VCF-style: chr5-90079649-A-G.
Identifiers: ClinVar variation 382776 (VCV000382776.4), dbSNP rs1057521453, ClinGen allele CA16605418.

ClinVar aggregate classification (germline): Likely benign. Review status: criteria provided, multiple submitters, no conflicts (2 of 4 stars). 2 submissions from 2 submitters: Likely benign (2). Last evaluated 2023-05-09.

Allele frequency attached by ClinVar (database versions not stated): gnomAD exomes below 0.00001.
gnomAD v4.1: 1 of 1,594,582 alleles (0.000063%); highest among the groups gnomAD compares: South Asian, 0.0011%; no homozygotes.

Submissions (2):

Labcorp Genetics (formerly Invitae), Labcorp
Classification: Likely benign. Last evaluated: 2023-05-09. Review status: criteria provided, single submitter. Criteria: Invitae Variant Classification Sherloc (09022015). Collection method: clinical testing. Allele origin: germline.

GeneDx
Classification: Likely benign. Last evaluated: 2016-05-16. Review status: criteria provided, single submitter. Criteria: GeneDx Variant Classification (06012015). Collection method: clinical testing. Allele origin: germline. Affected: yes.
Comment: This variant is considered likely benign or benign based on one or more of the following criteria: it is a conservative change, it occurs at a poorly conserved position in the protein, it is predicted to be benign by multiple in silico algorithms, and/or has population frequency not consistent with disease.